The following is an entry in ClinVar:

ClinVar aggregate classification (germline): Pathogenic (1 of 4 stars; one submission).

Conditions:
Neurofibromatosis, type 1 (NF1). Also called: NEUROFIBROMATOSIS, TYPE I, SOMATIC; VON RECKLINGHAUSEN DISEASE; Peripheral type neurofibromatosis; Neurofibromatosis, type I. Identifiers: Orphanet 636, MedGen C0027831, MONDO:0018975, OMIM 162200. Disease mechanism: loss of function.

Submission:

Labcorp Genetics (formerly Invitae), Labcorp
Classification: Pathogenic for Neurofibromatosis, type 1. Last evaluated: 2025-08-17. Review status: criteria provided, single submitter. Criteria: Invitae Variant Classification Sherloc (09022015). Collection method: clinical testing. Allele origin: germline.
Comment: This sequence change creates a premature translational stop signal (p.Leu2583Serfs*4) in the NF1 gene. It is expected to result in an absent or disrupted protein product. Loss-of-function variants in NF1 are known to be pathogenic (PMID: 10712197, 23913538). This variant is not present in population databases (gnomAD no frequency). This variant has not been reported in the literature in individuals affected with NF1-related conditions. For these reasons, this variant has been classified as Pathogenic.

Literature cited by the submitters: PubMed 10712197; PubMed 23913538.

NM_001042492.3(NF1):c.7809dup (p.Leu2604fs)

Gene: NF1 (neurofibromin 1; plus strand). Cytogenetic location: 17q11.2.
Variant type: Duplication.
Coding change: c.7809dup on transcript NM_001042492.3 (MANE Select); coding-DNA position 7809, one base duplicated (T; older notation c.7809dupT).
Protein change: p.Leu2604fs; shifts the reading frame from leucine 2604.
Molecular consequence: frameshift variant.
Genome position (GRCh38, 1-based): chr17:31,357,030, T duplicated; the last of 2 consecutive T bases (chr17:31,357,029-31,357,030); duplicating either gives the same sequence. VCF-style (leftmost placement, unchanged base first): chr17-31357028-G-GT. GRCh37 (hg19) VCF-style: chr17-29684046-G-GT.
Other names: c.7746dup, p.Leu2583fs (NM_000267.4); short protein forms L2604fs, L2583fs.
Identifiers: ClinVar variation 4725550 (VCV004725550.1).
Genomic context (GRCh38, chr17:31,357,028, plus strand): 5'-AGGATTTCCTCATCACAACAGCACCCACATTTACGTAAAGTTTCAGTGTCTGAATCAAAT[G>GT]TTCTCTTGGATGAAGAAGTACTTACTGATCCGAAGATCCAGGCGCTGCTTCTTACTGTTC-3'